The following is an entry in ClinVar:

NM_001365276.2(TNXB):c.7307G>A (p.Gly2436Asp)

Gene: TNXB (tenascin XB; minus strand). Cytogenetic location: 6p21.33.
Variant type: single nucleotide variant.
Coding change: c.7307G>A on transcript NM_001365276.2 (MANE Select); coding-DNA position 7307, G replaced by A.
Protein change: p.Gly2436Asp; replaces glycine 2436 with aspartic acid.
Molecular consequence: missense variant.
Genome position (GRCh38, 1-based): chr6:32,061,582, C>T on the plus strand (G>A on the coding strand, the complement: TNXB is on the minus strand). VCF-style: chr6-32061582-C-T. GRCh37 (hg19) VCF-style: chr6-32029359-C-T.
Other names: p.Gly2436Asp; c.7307G>A, p.Gly2436Asp (NM_019105.8); short protein forms G2436D.
Identifiers: ClinVar variation 1707997 (VCV001707997.10), dbSNP rs527290986, ClinGen allele CA3734194.

ClinVar aggregate classification (germline): Uncertain significance. Review status: criteria provided, multiple submitters, no conflicts (2 of 4 stars). 4 submissions from 4 submitters: Uncertain significance (4). Last evaluated 2026-10-12.

Conditions:
Cardiovascular phenotype. Identifiers: MedGen CN230736.

Allele frequency attached by ClinVar (database versions not stated): ExAC 0.00013; gnomAD 0.00013; 1000 Genomes Project 30x 0.00062; TOPMed 0.00015; gnomAD exomes 0.00005; 1000 Genomes Project 0.00080.
gnomAD v4.1: 101 of 1,613,252 alleles (0.0063%); highest among the groups gnomAD compares: South Asian, 0.046%; 1 homozygote.

Submissions (4):

GeneDx
Classification: Uncertain significance. Last evaluated: 2026-10-12. Review status: criteria provided, single submitter. Criteria: GeneDx Variant Classification Process June 2021. Collection method: clinical testing. Allele origin: germline.
Comment: Has not been previously published as pathogenic or benign to our knowledge; In silico analysis supports that this missense variant has a deleterious effect on protein structure/function

Mayo Clinic Laboratories, Mayo Clinic
Classification: Uncertain significance. Last evaluated: 2025-09-09. Review status: criteria provided, single submitter. Criteria: ACMG Guidelines, 2015. Collection method: clinical testing. Allele origin: germline. Observed: 3 variant alleles.
Comment: BP4

Women's Health and Genetics/Laboratory Corporation of America, LabCorp
Classification: Uncertain significance. Last evaluated: 2025-09-04. Review status: criteria provided, single submitter. Criteria: LabCorp Variant Classification Summary - May 2015. Collection method: clinical testing. Allele origin: germline.
Comment: Variant summary: TNXB c.7307G>A (p.Gly2436Asp) results in a non-conservative amino acid change in the encoded protein sequence. Algorithms developed to predict the effect of missense changes on protein structure and function are either unavailable or do not agree on the potential impact of this missense change. The variant allele was found at a frequency of 0.00015 in 245816 control chromosomes. This frequency is not significantly higher than estimated for disease-causing variants in TNXB, allowing no conclusion about variant significance. To our knowledge, no occurrence of c.7307G>A in individuals affected with TNXB-related conditions and no experimental evidence demonstrating its impact on protein function have been reported. ClinVar contains an entry for this variant (Variation ID: 1707997). Based on the evidence outlined above, the variant was classified as uncertain significance.

Ambry Genetics
Classification: Uncertain significance for Cardiovascular phenotype. Last evaluated: 2024-07-29. Review status: criteria provided, single submitter. Criteria: Ambry Variant Classification Scheme 2023. Collection method: clinical testing. Allele origin: germline.
Comment: The p.G2436D variant (also known as c.7307G>A), located in coding exon 20 of the TNXB gene, results from a G to A substitution at nucleotide position 7307. The glycine at codon 2436 is replaced by aspartic acid, an amino acid with similar properties. This amino acid position is highly conserved in available vertebrate species. In addition, this alteration is predicted to be tolerated by in silico analysis. Based on the available evidence, the clinical significance of this variant remains unclear.